The following is an entry in ClinVar:

NM_001365999.1(SZT2):c.2518A>G (p.Ile840Val)

Gene: SZT2 (SZT2 subunit of KICSTOR complex; plus strand). Cytogenetic location: 1p34.2.
Variant type: single nucleotide variant.
Coding change: c.2518A>G on transcript NM_001365999.1 (MANE Select); coding-DNA position 2518, A replaced by G.
Protein change: p.Ile840Val; replaces isoleucine 840 with valine.
Molecular consequence: missense variant.
Genome position (GRCh38, 1-based): chr1:43,424,830, A>G. VCF-style: chr1-43424830-A-G. GRCh37 (hg19) VCF-style: chr1-43890501-A-G.
Other names: c.2518A>G, p.Ile840Val (NM_015284.4); short protein forms I840V.
Identifiers: ClinVar variation 4179172 (VCV004179172.2).

ClinVar aggregate classification (germline): Uncertain significance. Review status: criteria provided, multiple submitters, no conflicts (2 of 4 stars). 2 submissions from 2 submitters: Uncertain significance (2). Last evaluated 2026-02-17.

Conditions:
Inborn genetic diseases. Identifiers: MedGen C0950123, MeSH D030342.

gnomAD v4.1: 19 of 1,613,946 alleles (0.0012%); highest among the groups gnomAD compares: South Asian, 0.0044%; no homozygotes.

Submissions (2):

Women's Health and Genetics/Laboratory Corporation of America, LabCorp
Classification: Uncertain significance. Last evaluated: 2026-02-17. Review status: criteria provided, single submitter. Criteria: LabCorp Variant Classification Summary - May 2015. Collection method: clinical testing. Allele origin: germline.
Comment: Variant summary: SZT2 c.2518A>G (p.Ile840Val) results in a conservative amino acid change in the encoded protein sequence. Algorithms developed to predict the effect of missense changes on protein structure and function are either unavailable or do not agree on the potential impact of this missense change. The variant allele was found at a frequency of 8e-06 in 251444 control chromosomes. The available data on variant occurrences in the general population are insufficient to allow any conclusion about variant significance. To our knowledge, no occurrence of c.2518A>G in individuals affected with SZT2-related conditions and no experimental evidence demonstrating its impact on protein function have been reported. ClinVar contains an entry for this variant (Variation ID: 4179172). Based on the evidence outlined above, the variant was classified as uncertain significance.

Ambry Genetics
Classification: Uncertain significance for Inborn genetic diseases. Last evaluated: 2025-06-17. Review status: criteria provided, single submitter. Criteria: Ambry Variant Classification Scheme 2023. Collection method: clinical testing. Allele origin: germline.